The following is an entry in ClinVar:

ClinVar aggregate classification (germline): Likely benign (0 of 4 stars; one submission).

Conditions:
CREBBP-related disorder. Also called: CREBBP-related condition; CREBBP-related disorders.

gnomAD v4.1: 8 of 1,613,924 alleles (0.0005%); highest among the groups gnomAD compares: Non-Finnish European, 0.00059%; no homozygotes.

Submission:

PreventionGenetics, part of Exact Sciences
Classification: Likely benign for CREBBP-related condition. Last evaluated: 2024-08-13. Review status: no assertion criteria provided. Collection method: clinical testing. Allele origin: germline.
Comment: This variant is classified as likely benign based on ACMG/AMP sequence variant interpretation guidelines (Richards et al. 2015 PMID: 25741868, with internal and published modifications).

NM_004380.3(CREBBP):c.906C>T (p.Ser302=)

Gene: CREBBP (CREB binding lysine acetyltransferase; minus strand). Cytogenetic location: 16p13.3.
Variant type: single nucleotide variant.
Coding change: c.906C>T on transcript NM_004380.3 (MANE Select); coding-DNA position 906, C replaced by T.
Protein change: p.Ser302=; no amino-acid change (serine 302 retained).
Molecular consequence: synonymous variant.
Genome position (GRCh38, 1-based): chr16:3,810,672, G>A on the plus strand (C>T on the coding strand, the complement: CREBBP is on the minus strand). VCF-style: chr16-3810672-G-A. GRCh37 (hg19) VCF-style: chr16-3860673-G-A.
Other names: c.906C>T, p.Ser302= (NM_001079846.1).
Identifiers: ClinVar variation 3350818 (VCV003350818.1).